The following is an entry in ClinVar:

ClinVar aggregate classification (germline): Uncertain significance (1 of 4 stars; one submission).

Conditions:
Developmental and epileptic encephalopathy, 30 (DEE30). Also called: Epileptic encephalopathy, early infantile, 30. Identifiers: MedGen C4225360, MONDO:0014595, OMIM 616341.

Submission:

Labcorp Genetics (formerly Invitae), Labcorp
Classification: Uncertain significance for Developmental and epileptic encephalopathy, 30. Last evaluated: 2024-02-02. Review status: criteria provided, single submitter. Criteria: Invitae Variant Classification Sherloc (09022015). Collection method: clinical testing. Allele origin: germline.
Comment: This sequence change replaces alanine, which is neutral and non-polar, with glycine, which is neutral and non-polar, at codon 687 of the SIK1 protein (p.Ala687Gly). This variant is not present in population databases (gnomAD no frequency). This variant has not been reported in the literature in individuals affected with SIK1-related conditions. Advanced modeling of protein sequence and biophysical properties (such as structural, functional, and spatial information, amino acid conservation, physicochemical variation, residue mobility, and thermodynamic stability) performed at Invitae indicates that this missense variant is not expected to disrupt SIK1 protein function with a negative predictive value of 95%. In summary, the available evidence is currently insufficient to determine the role of this variant in disease. Therefore, it has been classified as a Variant of Uncertain Significance.

NM_173354.5(SIK1):c.2060C>G (p.Ala687Gly)

Gene: SIK1 (salt inducible kinase 1; minus strand). Cytogenetic location: 21q22.3.
Variant type: single nucleotide variant.
Coding change: c.2060C>G on transcript NM_173354.5 (MANE Select); coding-DNA position 2060, C replaced by G.
Protein change: p.Ala687Gly; replaces alanine 687 with glycine.
Molecular consequence: missense variant.
Genome position (GRCh38, 1-based): chr21:43,417,034, G>C on the plus strand (C>G on the coding strand, the complement: SIK1 is on the minus strand). VCF-style: chr21-43417034-G-C. GRCh37 (hg19) VCF-style: chr21-44836914-G-C.
Other names: short protein forms A687G.
Identifiers: ClinVar variation 3675193 (VCV003675193.2).